The following is an entry in ClinVar:

NM_080680.3(COL11A2):c.3582+1G>C

Gene: COL11A2 (collagen type XI alpha 2 chain; minus strand). Cytogenetic location: 6p21.32.
Variant type: single nucleotide variant.
Coding change: c.3582+1G>C on transcript NM_080680.3 (MANE Select); the canonical splice donor site of the intron after coding-DNA position 3582, G replaced by C.
Molecular consequence: splice donor variant.
Genome position (GRCh38, 1-based): chr6:33,170,325, C>G on the plus strand (G>C on the coding strand, the complement: COL11A2 is on the minus strand). VCF-style: chr6-33170325-C-G. GRCh37 (hg19) VCF-style: chr6-33138102-C-G.
Other names: c.2556+1G>C (NM_001424111.1, NM_001424110.1); c.3261+1G>C (NM_080679.3); c.3324+1G>C (NM_080681.3); c.3402+1G>C (NM_001424108.1); c.2736+1G>C (NM_001424109.1); c.1536+1G>C (NM_001424112.1).
Identifiers: ClinVar variation 4881150 (VCV004881150.2).

ClinVar aggregate classification (germline): Uncertain significance (1 of 4 stars; one submission).

Conditions:
COL11A2-related disorder. Also called: COL11A2-related condition; COL11A2-related disorders.

Submission:

Dasa
Classification: Uncertain significance for COL11A2-related disorder. Last evaluated: 2025-07-12. Review status: criteria provided, single submitter. Criteria: DASA Assertion Criteria. Collection method: clinical testing. Allele origin: germline.
Comment: NM_080680.3(COL11A2):c.3582+1G>C affects a canonical splice site and is predicted to disrupt normal RNA splicing. This variant is absent from population databases. The currently available literature and clinical evidence are not sufficient to establish a definitive association between this variant and the reported condition. Therefore, this variant is classified as a variant of uncertain significance.